The following is an entry in ClinVar:

ClinVar aggregate classification (germline): Uncertain significance (1 of 4 stars; one submission).

Conditions:
Surfactant metabolism dysfunction, pulmonary, 4 (SMDP4). Also called: PAP DUE TO CSF2RA DEFICIENCY; PULMONARY ALVEOLAR PROTEINOSIS, CONGENITAL, 4; CSF2RA DEFICIENCY. Identifiers: Orphanet 264675, MedGen C2677877, MONDO:0010424, OMIM 300770.

Allele frequency attached by ClinVar (database versions not stated): gnomAD exomes below 0.00001; ExAC 0.00001; TOPMed 0.00001.
gnomAD v4.1: 1 of 1,613,892 alleles (0.000062%); highest among the groups gnomAD compares: Non-Finnish European, 0.000085%; no homozygotes.

Submission:

Labcorp Genetics (formerly Invitae), Labcorp
Classification: Uncertain significance for Surfactant metabolism dysfunction, pulmonary, 4. Last evaluated: 2023-08-17. Review status: criteria provided, single submitter. Criteria: Invitae Variant Classification Sherloc (09022015). Collection method: clinical testing. Allele origin: germline.
Comment: Advanced modeling of protein sequence and biophysical properties (such as structural, functional, and spatial information, amino acid conservation, physicochemical variation, residue mobility, and thermodynamic stability) performed at Invitae indicates that this missense variant is not expected to disrupt CSF2RA protein function. This sequence change replaces alanine, which is neutral and non-polar, with threonine, which is neutral and polar, at codon 312 of the CSF2RA protein (p.Ala312Thr). This variant is present in population databases (no rsID available, gnomAD 0.002%). This variant has not been reported in the literature in individuals affected with CSF2RA-related conditions. ClinVar contains an entry for this variant (Variation ID: 1928461). In summary, the available evidence is currently insufficient to determine the role of this variant in disease. Therefore, it has been classified as a Variant of Uncertain Significance.

NM_172245.4(CSF2RA):c.934G>A (p.Ala312Thr)

Gene: CSF2RA (colony stimulating factor 2 receptor subunit alpha; plus strand). Cytogenetic location: Xp22.33.
Variant type: single nucleotide variant.
Coding change: c.934G>A on transcript NM_172245.4 (MANE Select); coding-DNA position 934, G replaced by A.
Protein change: p.Ala312Thr; replaces alanine 312 with threonine.
Molecular consequence: missense variant. On other transcripts: intron variant (2).
Genome position (GRCh38, 1-based): chrX:1,300,614, G>A. VCF-style: chrX-1300614-G-A. GRCh37 (hg19) VCF-style: chrX-1419507-G-A.
Other names: c.934G>A, p.Ala312Thr (NM_001161529.2, NM_001161530.2, NM_001161531.2 and 18 more transcripts); c.535G>A, p.Ala179Thr (NM_001161532.2); c.904G>A, p.Ala302Thr (NM_001379160.1); c.647-4832G>A (NM_172249.4); c.854+1549G>A (NM_001379166.1); short protein forms A179T, A302T, A312T.
Identifiers: ClinVar variation 1928461 (VCV001928461.3), dbSNP rs758894441, ClinGen allele CA10331064.
Genomic context (GRCh38, chrX:1,300,614, plus strand): 5'-CACAGTGTGAAGATCAGAGCTGCAGACGTCCGCATCTTGAATTGGAGCTCCTGGAGTGAA[G>A]CCATTGAATTTGGTAAGCGTTGGGCGGAGGTAAGGGATGTTTGTGCCGTCTGCGGCCACC-3'
Protein context (NP_758448.1, residues 302-322): RILNWSSWSE[Ala312Thr]IEFGSDDGNL